The following is an entry in ClinVar:

NM_000492.4(CFTR):c.2908G>C (p.Gly970Arg)

Gene: CFTR (CF transmembrane conductance regulator; plus strand). Cytogenetic location: 7q31.2.
Variant type: single nucleotide variant.
Coding change: c.2908G>C on transcript NM_000492.4 (MANE Select); coding-DNA position 2908, G replaced by C.
Protein change: p.Gly970Arg; replaces glycine 970 with arginine.
Molecular consequence: missense variant.
Genome position (GRCh38, 1-based): chr7:117,603,782, G>C. VCF-style: chr7-117603782-G-C. GRCh37 (hg19) VCF-style: chr7-117243836-G-C.
Other names: short protein forms G970R.
Identifiers: ClinVar variation 53590 (VCV000053590.7), dbSNP rs397508453, ClinGen allele CA328109.

ClinVar aggregate classification (germline): Pathogenic. Review status: reviewed by expert panel (3 of 4 stars). 5 submissions from 5 submitters: Pathogenic (1). 4 of the submissions do not count toward it. Last evaluated 2017-03-17.

Conditions:
CFTR-related disorder (CFTR-RD). Also called: CFTR-related condition; CFTR-related disorders. Identifiers: MedGen C5924204, MONDO:7770004.
Cystic fibrosis (CF). Also called: MUCOVISCIDOSIS. Identifiers: Orphanet 586, MedGen C0010674, MONDO:0009061, OMIM 219700. Disease mechanism: loss of function.

Submissions (5):

CFTR2
Classification: Pathogenic for Cystic fibrosis. Last evaluated: 2017-03-17. Review status: reviewed by expert panel. Criteria: Sosnay PR et al. (Nat Genet 2013). Collection method: research. Allele origin: germline. Affected: yes. Study: CFTR2.

Labcorp Genetics (formerly Invitae), Labcorp
Classification: Pathogenic for Cystic fibrosis. Last evaluated: 2022-03-02. Review status: criteria provided, single submitter. Criteria: Invitae Variant Classification Sherloc (09022015). Collection method: clinical testing. Allele origin: germline. Not counted in ClinVar's aggregate classification.
Comment: This sequence change replaces glycine, which is neutral and non-polar, with arginine, which is basic and polar, at codon 970 of the CFTR protein (p.Gly970Arg). This variant also falls at the last nucleotide of exon 17, which is part of the consensus splice site for this exon. This variant is not present in population databases (gnomAD no frequency). This missense change has been observed in individuals with cystic fibrosis (PMID: 23974870, 33278322). ClinVar contains an entry for this variant (Variation ID: 53590). Algorithms developed to predict the effect of missense changes on protein structure and function (SIFT, PolyPhen-2, Align-GVGD) all suggest that this variant is likely to be disruptive. Variants that disrupt the consensus splice site are a relatively common cause of aberrant splicing (PMID: 17576681, 9536098). Studies have shown that this missense change is associated with altered splicing resulting in multiple RNA products (PMID: 30851139, 33278322). For these reasons, this variant has been classified as Pathogenic.

CFTR-France
Classification: Pathogenic for cystic fibrosis. Last evaluated: 2018-01-29. Review status: criteria provided, single submitter. Criteria: Claustres M et al. (Hum Mutat 2017). Collection method: curation. Allele origin: germline. Affected: yes. Not counted in ClinVar's aggregate classification.

Women's Health and Genetics/Laboratory Corporation of America, LabCorp
Classification: Pathogenic for Cystic fibrosis. Last evaluated: 2017-06-13. Review status: criteria provided, single submitter. Criteria: LabCorp Variant Classification Summary - May 2015. Collection method: clinical testing. Allele origin: germline. Not counted in ClinVar's aggregate classification.
Comment: Variant summary: The CFTR c.2908G>C (p.Gly970Arg) variant causes a missense change involving the alteration of a conserved nucleotide. 5/5 in silico tools predict a damaging outcome for this variant, located in the cytoplasmic loop 3 of the CFTR cytoplasmic domain. This is confirmed by multiple functional studies showing that the G970R mutant CFTRs yielded fully mature protein (170 kDa) and the glycosylated protein reached plasma membrane but had lower level of PKA- and ATP-dependent channel activity with lower channel mean open probability and decreased Iodide efflux in Chinese hamster ovary (CHO) cells (Seibert_JBC_1996). Another study showed that the HCO3-/Cl- transport ratio was severely impaired and in line with other PI-specific mutations. Functional In vitro analysis from another paper reported <10% chloride transport when expressed in HeLa and Fischer rat thyroid (FRT) (Sosnay_2013). The variant of interest has not been found in a large, broad control population, ExAC in 121162 control chromosomes. This variant was found in multiple CF patients with mean sweat chloride conc 60mM (Sosnay_Nature Genetics_2013). In addition, one reputable database classified this variant as pathogenic. Taken together, this variant is classified as pathogenic.

Natera, Inc.
Classification: Pathogenic for CFTR-related disorders. Last evaluated: 2017-03-17. Review status: no assertion criteria provided. Collection method: clinical testing. Allele origin: germline. Not counted in ClinVar's aggregate classification.

Literature cited by the submitters: PubMed 23974870 (cited by Labcorp Genetics (formerly Invitae), Labcorp and Women's Health and Genetics/Laboratory Corporation of America, LabCorp); PubMed 33278322 (cited by Labcorp Genetics (formerly Invitae), Labcorp); PubMed 17576681 (cited by Labcorp Genetics (formerly Invitae), Labcorp); PubMed 9536098 (cited by Labcorp Genetics (formerly Invitae), Labcorp); PubMed 30851139 (cited by Labcorp Genetics (formerly Invitae), Labcorp); PubMed 8910333 (cited by Women's Health and Genetics/Laboratory Corporation of America, LabCorp); PubMed 25674778 (cited by Women's Health and Genetics/Laboratory Corporation of America, LabCorp); PubMed 10923036 (cited by Women's Health and Genetics/Laboratory Corporation of America, LabCorp); PubMed 7508414 (cited by Women's Health and Genetics/Laboratory Corporation of America, LabCorp); PubMed 11242048 (cited by Women's Health and Genetics/Laboratory Corporation of America, LabCorp); PubMed 24440181 (cited by Women's Health and Genetics/Laboratory Corporation of America, LabCorp).